The following is an entry in ClinVar:

NM_014244.5(ADAMTS2):c.1783A>G (p.Asn595Asp)

Gene: ADAMTS2 (ADAM metallopeptidase with thrombospondin type 1 motif 2; minus strand). Cytogenetic location: 5q35.3.
Variant type: single nucleotide variant.
Coding change: c.1783A>G on transcript NM_014244.5 (MANE Select); coding-DNA position 1783, A replaced by G.
Protein change: p.Asn595Asp; replaces asparagine 595 with aspartic acid.
Molecular consequence: missense variant.
Genome position (GRCh38, 1-based): chr5:179,137,937, T>C on the plus strand (A>G on the coding strand, the complement: ADAMTS2 is on the minus strand). VCF-style: chr5-179137937-T-C. GRCh37 (hg19) VCF-style: chr5-178564938-T-C.
Other names: short protein forms N595D.
Identifiers: ClinVar variation 1496273 (VCV001496273.7), dbSNP rs2113218874, ClinGen allele CA362427107.
Genomic context (GRCh38, chr5:179,137,937, plus strand): 5'-AGTCCTGGCGGCTGCAGAGCTGGAAGTCGTAGGCAAGGCCCGAGCAGGTGCGGCCCCCGT[T>C]GGCCGGGCTGGAGGAGAAAGCAAAGGCCTTGCCGCTCCGTGCCATTGGAAAGAGGCAGCA-3'
Protein context (NP_055059.2, residues 585-605): TRQCDNPHPA[Asn595Asp]GGRTCSGLAY

ClinVar aggregate classification (germline): Uncertain significance. Review status: criteria provided, multiple submitters, no conflicts (2 of 4 stars). 2 submissions from 2 submitters: Uncertain significance (2). Last evaluated 2025-09-02.

Conditions:
Ehlers-Danlos syndrome, dermatosparaxis type. Also called: Ehlers-Danlos syndrome, type VII, autosomal recessive; Dermatosparaxis; EDS VIIC. Identifiers: Orphanet 1901, MedGen C2700425, MONDO:0009161, OMIM 225410.

Submissions (2):

Women's Health and Genetics/Laboratory Corporation of America, LabCorp
Classification: Uncertain significance. Last evaluated: 2025-09-02. Review status: criteria provided, single submitter. Criteria: LabCorp Variant Classification Summary - May 2015. Collection method: clinical testing. Allele origin: germline.
Comment: Variant summary: ADAMTS2 c.1783A>G (p.Asn595Asp) results in a conservative amino acid change in the encoded protein sequence. Algorithms developed to predict the effect of missense changes on protein structure and function are either unavailable or do not agree on the potential impact of this missense change. The variant was absent in 147892 control chromosomes. The available data on variant occurrences in the general population are insufficient to allow any conclusion about variant significance. To our knowledge, no occurrence of c.1783A>G in individuals affected with ADAMTS2-related conditions and no experimental evidence demonstrating its impact on protein function have been reported. ClinVar contains an entry for this variant (Variation ID: 1496273). Based on the evidence outlined above, the variant was classified as uncertain significance.

Labcorp Genetics (formerly Invitae), Labcorp
Classification: Uncertain significance for Ehlers-Danlos syndrome, dermatosparaxis type. Last evaluated: 2021-12-02. Review status: criteria provided, single submitter. Criteria: Invitae Variant Classification Sherloc (09022015). Collection method: clinical testing. Allele origin: germline.
Comment: This sequence change replaces asparagine, which is neutral and polar, with aspartic acid, which is acidic and polar, at codon 595 of the ADAMTS2 protein (p.Asn595Asp). This variant is not present in population databases (gnomAD no frequency). In summary, the available evidence is currently insufficient to determine the role of this variant in disease. Therefore, it has been classified as a Variant of Uncertain Significance. Algorithms developed to predict the effect of missense changes on protein structure and function are either unavailable or do not agree on the potential impact of this missense change (SIFT: "Deleterious"; PolyPhen-2: "Probably Damaging"; Align-GVGD: "Class C15"). This variant has not been reported in the literature in individuals affected with ADAMTS2-related conditions.